The following is an entry in ClinVar:

NM_000283.4(PDE6B):c.555C>T (p.Asp185=)

Gene: PDE6B (phosphodiesterase 6B; plus strand). Cytogenetic location: 4p16.3.
Variant type: single nucleotide variant.
Coding change: c.555C>T on transcript NM_000283.4 (MANE Select); coding-DNA position 555, C replaced by T.
Protein change: p.Asp185=; no amino-acid change (aspartic acid 185 retained).
Molecular consequence: synonymous variant.
Genome position (GRCh38, 1-based): chr4:634,763, C>T. VCF-style: chr4-634763-C-T. GRCh37 (hg19) VCF-style: chr4-628552-C-T.
Other names: c.555C>T, p.Asp185= (NM_001145291.2).
Identifiers: ClinVar variation 746015 (VCV000746015.35), dbSNP rs757424904, ClinGen allele CA2793993.

ClinVar aggregate classification (germline): Likely benign. Review status: criteria provided, multiple submitters, no conflicts (2 of 4 stars). 3 submissions from 3 submitters: Likely benign (3). Last evaluated 2026-01-18.

Allele frequency attached by ClinVar (database versions not stated): TOPMed 0.00006; ExAC 0.00007.
gnomAD v4.1: 41 of 1,613,340 alleles (0.0025%); highest among the groups gnomAD compares: East Asian, 0.027%; no homozygotes.

Submissions (3):

Labcorp Genetics (formerly Invitae), Labcorp
Classification: Likely benign. Last evaluated: 2026-01-18. Review status: criteria provided, single submitter. Criteria: Invitae Variant Classification Sherloc (09022015). Collection method: clinical testing. Allele origin: germline.

Blueprint Genetics
Classification: Likely benign. Last evaluated: 2023-11-10. Review status: criteria provided, single submitter. Criteria: ACMG Guidelines, 2015. Collection method: clinical testing. Allele origin: germline.

CeGaT Center for Human Genetics Tuebingen
Classification: Likely benign. Last evaluated: 2023-07-01. Review status: criteria provided, single submitter. Criteria: CeGaT Center For Human Genetics Tuebingen Variant Classification Criteria Version 2. Collection method: clinical testing. Allele origin: germline. Affected: yes. Observed: 1 variant allele.
Comment: PDE6B: BP4, BP7